The following is an entry in ClinVar:

ClinVar aggregate classification (germline): Uncertain significance (1 of 4 stars; one submission).

Conditions:
Charcot-Marie-Tooth disease type 4. Also called: Charcot-Marie-Tooth disease, type IV; Charcot-Marie-Tooth, Type 4. Identifiers: Orphanet 64749, MedGen C4082197, MONDO:0018995.

Submission:

Labcorp Genetics (formerly Invitae), Labcorp
Classification: Uncertain significance for Charcot-Marie-Tooth disease type 4. Last evaluated: 2022-03-05. Review status: criteria provided, single submitter. Criteria: Invitae Variant Classification Sherloc (09022015). Collection method: clinical testing. Allele origin: germline.
Comment: In summary, the available evidence is currently insufficient to determine the role of this variant in disease. Therefore, it has been classified as a Variant of Uncertain Significance. Algorithms developed to predict the effect of missense changes on protein structure and function (SIFT, PolyPhen-2, Align-GVGD) all suggest that this variant is likely to be tolerated. This variant has not been reported in the literature in individuals affected with SBF2-related conditions. This variant is not present in population databases (gnomAD no frequency). This sequence change replaces glutamine, which is neutral and polar, with histidine, which is basic and polar, at codon 1029 of the SBF2 protein (p.Gln1029His).

NM_030962.4(SBF2):c.3087G>T (p.Gln1029His)

Genes: SBF2 (SET binding factor 2; minus strand), LOC101928008 (uncharacterized LOC101928008; plus strand). Cytogenetic location: 11p15.4.
Variant type: single nucleotide variant.
Coding change: c.3087G>T on transcript NM_030962.4 (MANE Select); coding-DNA position 3087, G replaced by T.
Protein change: p.Gln1029His; replaces glutamine 1029 with histidine.
Molecular consequence: missense variant.
Genome position (GRCh38, 1-based): chr11:9,845,588, C>A on the plus strand (G>T on the coding strand, the complement: SBF2 is on the minus strand). VCF-style: chr11-9845588-C-A. GRCh37 (hg19) VCF-style: chr11-9867135-C-A.
Other names: c.3087G>T, p.Gln1029His (NM_001386339.1); c.2958G>T, p.Gln986His (NM_001386342.1); short protein forms Q986H, Q1029H.
Identifiers: ClinVar variation 2107016 (VCV002107016.4), dbSNP rs775337881, ClinGen allele CA379632321.